The following is an entry in ClinVar:

NM_000038.6(APC):c.2678A>T (p.Glu893Val)

Gene: APC (APC regulator of Wnt signaling pathway; plus strand). Cytogenetic location: 5q22.2.
Variant type: single nucleotide variant.
Coding change: c.2678A>T on transcript NM_000038.6 (MANE Select); coding-DNA position 2678, A replaced by T.
Protein change: p.Glu893Val; replaces glutamic acid 893 with valine.
Molecular consequence: missense variant.
Genome position (GRCh38, 1-based): chr5:112,838,272, A>T. VCF-style: chr5-112838272-A-T. GRCh37 (hg19) VCF-style: chr5-112173969-A-T.
Other names: c.2678A>T, p.Glu893Val (NM_001127510.3, NM_001354895.2); c.2624A>T, p.Glu875Val (NM_001127511.3); c.2732A>T, p.Glu911Val (NM_001354896.2); c.2708A>T, p.Glu903Val (NM_001354897.2); c.2603A>T, p.Glu868Val (NM_001354898.2); c.2594A>T, p.Glu865Val (NM_001354899.2); c.2555A>T, p.Glu852Val (NM_001354900.2); c.2501A>T, p.Glu834Val (NM_001354901.2); and 5 more; short protein forms E875V, E893V, E733V, E865V, E610V, E834V, E852V, E868V.
Identifiers: ClinVar variation 485120 (VCV000485120.16), dbSNP rs1554084370, ClinGen allele CA16027180.

ClinVar aggregate classification (germline): Uncertain significance. Review status: criteria provided, multiple submitters, no conflicts (2 of 4 stars). 3 submissions from 3 submitters: Uncertain significance (3). Last evaluated 2025-06-07.

Conditions:
Familial adenomatous polyposis 1 (FAP1). Also called: FAMILIAL ADENOMATOUS POLYPOSIS 1, ATTENUATED; POLYPOSIS, ADENOMATOUS INTESTINAL. Identifiers: MedGen C2713442, MONDO:0021056, OMIM 175100. Disease mechanism: loss of function.
Hereditary cancer-predisposing syndrome. Also called: Neoplastic Syndromes, Hereditary; Tumor predisposition; Hereditary Cancer Syndrome; Hereditary neoplastic syndrome. Identifiers: Orphanet 140162, MedGen C0027672, MeSH D009386, MONDO:0015356.

Allele frequency attached by ClinVar (database versions not stated): gnomAD exomes below 0.00001.
gnomAD v4.1: 1 of 1,614,232 alleles (0.000062%); highest among the groups gnomAD compares: Non-Finnish European, 0.000085%; no homozygotes.

Submissions (3):

Ambry Genetics
Classification: Uncertain significance for Hereditary cancer-predisposing syndrome. Last evaluated: 2025-06-07. Review status: criteria provided, single submitter. Criteria: Ambry Variant Classification Scheme 2023. Collection method: clinical testing. Allele origin: germline.

Labcorp Genetics (formerly Invitae), Labcorp
Classification: Uncertain significance for Familial adenomatous polyposis 1. Last evaluated: 2025-05-13. Review status: criteria provided, single submitter. Criteria: Invitae Variant Classification Sherloc (09022015). Collection method: clinical testing. Allele origin: germline.
Comment: This sequence change replaces glutamic acid, which is acidic and polar, with valine, which is neutral and non-polar, at codon 893 of the APC protein (p.Glu893Val). This variant is not present in population databases (gnomAD no frequency). This variant has not been reported in the literature in individuals affected with APC-related conditions. ClinVar contains an entry for this variant (Variation ID: 485120). Invitae Evidence Modeling of protein sequence and biophysical properties (such as structural, functional, and spatial information, amino acid conservation, physicochemical variation, residue mobility, and thermodynamic stability) has been performed for this missense variant. However, the output from this modeling did not meet the statistical confidence thresholds required to predict the impact of this variant on APC protein function. In summary, the available evidence is currently insufficient to determine the role of this variant in disease. Therefore, it has been classified as a Variant of Uncertain Significance.

Color Diagnostics, LLC DBA Color Health
Classification: Uncertain significance for Hereditary cancer-predisposing syndrome. Last evaluated: 2023-12-04. Review status: criteria provided, single submitter. Criteria: ACMG Guidelines, 2015. Collection method: clinical testing. Allele origin: germline.
Comment: This missense variant replaces glutamic acid with valine at codon 893 of the APC protein. Computational prediction suggests that this variant may have deleterious impact on protein structure and function. To our knowledge, functional studies have not been reported for this variant. This variant has not been reported in individuals affected with APC-related disorders in the literature. This variant has not been identified in the general population by the Genome Aggregation Database (gnomAD). The available evidence is insufficient to determine the role of this variant in disease conclusively. Therefore, this variant is classified as a Variant of Uncertain Significance.